The following is an entry in ClinVar:

ClinVar aggregate classification (germline): Uncertain significance (1 of 4 stars; one submission).

Conditions:
Congenital disorder of glycosylation, type Iaa. Also called: Congenital disorder of glycosylation, type 1aa. Identifiers: MedGen C4310727, MONDO:0014904, OMIM 617082.

Submission:

Labcorp Genetics (formerly Invitae), Labcorp
Classification: Uncertain significance for Congenital disorder of glycosylation, type Iaa. Last evaluated: 2025-04-07. Review status: criteria provided, single submitter. Criteria: Invitae Variant Classification Sherloc (09022015). Collection method: clinical testing. Allele origin: germline.
Comment: This sequence change replaces cysteine, which is neutral and slightly polar, with tyrosine, which is neutral and polar, at codon 287 of the NUS1 protein (p.Cys287Tyr). This variant is not present in population databases (gnomAD no frequency). This variant has not been reported in the literature in individuals affected with NUS1-related conditions. An algorithm developed to predict the effect of missense changes on protein structure and function (PolyPhen-2) suggests that this variant is likely to be disruptive. In summary, the available evidence is currently insufficient to determine the role of this variant in disease. Therefore, it has been classified as a Variant of Uncertain Significance.

NM_138459.5(NUS1):c.860G>A (p.Cys287Tyr)

Gene: NUS1 (NUS1 dehydrodolichyl diphosphate synthase subunit; plus strand). Cytogenetic location: 6q22.1.
Variant type: single nucleotide variant.
Coding change: c.860G>A on transcript NM_138459.5 (MANE Select); coding-DNA position 860, G replaced by A.
Protein change: p.Cys287Tyr; replaces cysteine 287 with tyrosine.
Molecular consequence: missense variant.
Genome position (GRCh38, 1-based): chr6:117,706,993, G>A. VCF-style: chr6-117706993-G-A. GRCh37 (hg19) VCF-style: chr6-118028156-G-A.
Other names: short protein forms C287Y.
Identifiers: ClinVar variation 4716813 (VCV004716813.1).